The following is an entry in ClinVar:

NM_020822.3(KCNT1):c.335-5C>T

Gene: KCNT1 (potassium sodium-activated channel subfamily T member 1; plus strand). Cytogenetic location: 9q34.3.
Variant type: single nucleotide variant.
Coding change: c.335-5C>T on transcript NM_020822.3 (MANE Select); 5 bases into the intron before coding-DNA position 335, C replaced by T.
Molecular consequence: intron variant.
Genome position (GRCh38, 1-based): chr9:135,750,937, C>T. VCF-style: chr9-135750937-C-T. GRCh37 (hg19) VCF-style: chr9-138642783-C-T.
Other names: c.191-5C>T (NM_001272003.2).
Identifiers: ClinVar variation 702748 (VCV000702748.14), dbSNP rs745658927, ClinGen allele CA5326389.
Genomic context (GRCh38, chr9:135,750,937, plus strand): 5'-TGCAGGCCCTGCTCCCCGAAGCCCAGAGCTGGGTCAGAGCCCTGAGGCCGCTGCCCTCCC[C>T]GCAGGCCTGAGGATCCGGCTGTTCAACTTCTCCCTGAAGCTGCTCACCTGCCTGCTCTAC-3'

ClinVar aggregate classification (germline): Conflicting classifications of pathogenicity. Review status: criteria provided, conflicting classifications (1 of 4 stars). 3 submissions from 3 submitters: Uncertain significance (1); Likely benign (2). Last evaluated 2025-09-07.

Conditions:
Inborn genetic diseases. Identifiers: MedGen C0950123, MeSH D030342.
Developmental and epileptic encephalopathy, 14 (DEE14). Also called: Early infantile epileptic encephalopathy 14. Identifiers: Orphanet 293181, MedGen C3554195, MONDO:0013989, OMIM 614959.
Autosomal dominant nocturnal frontal lobe epilepsy 5. Also called: CILIARY DYSKINESIA, PRIMARY, 28, WITHOUT SITUS INVERSUS; CILIARY DYSKINESIA, PRIMARY, 28, WITH SITUS INVERSUS; Epilepsy, nocturnal frontal lobe, 5; KCNT1-Related Epilepsy. Identifiers: Orphanet 98784, MedGen C3554306, MONDO:0014002, OMIM 615005.

Allele frequency attached by ClinVar (database versions not stated): gnomAD exomes 0.00002 and 0.00006; ExAC 0.00003; gnomAD 0.00005; TOPMed 0.00006.
gnomAD v4.1: 93 of 1,612,690 alleles (0.0058%); highest among the groups gnomAD compares: South Asian, 0.0088%; no homozygotes.

Submissions (3):

Labcorp Genetics (formerly Invitae), Labcorp
Classification: Likely benign for Autosomal dominant nocturnal frontal lobe epilepsy 5; Developmental and epileptic encephalopathy, 14. Last evaluated: 2025-09-07. Review status: criteria provided, single submitter. Criteria: Invitae Variant Classification Sherloc (09022015). Collection method: clinical testing. Allele origin: germline.

Blueprint Genetics
Classification: Likely benign. Last evaluated: 2021-09-01. Review status: criteria provided, single submitter. Criteria: ACMG Guidelines, 2015. Collection method: clinical testing. Allele origin: germline.

Ambry Genetics
Classification: Uncertain significance for Inborn genetic diseases. Last evaluated: 2018-09-17. Review status: criteria provided, single submitter. Criteria: Ambry Variant Classification Scheme 2023. Collection method: clinical testing. Allele origin: germline.
Comment: The c.335-5C>T intronic variant results from a C to T substitution 5 nucleotides upstream from coding exon 4 in the KCNT1 gene. This nucleotide position is not well conserved in available vertebrate species. Using the BDGP and ESEfinder splice site prediction tools, this alteration is not predicted to have any significant effect on this splice acceptor site; however, direct evidence is unavailable. Since supporting evidence is limited at this time, the clinical significance of this alteration remains unclear.